The following is an entry in ClinVar:

NM_030662.4(MAP2K2):c.240G>A (p.Ala80=)

Gene: MAP2K2 (mitogen-activated protein kinase kinase 2; minus strand). Cytogenetic location: 19p13.3.
Variant type: single nucleotide variant.
Coding change: c.240G>A on transcript NM_030662.4 (MANE Select); coding-DNA position 240, G replaced by A.
Protein change: p.Ala80=; no amino-acid change (alanine 80 retained).
Molecular consequence: synonymous variant.
Genome position (GRCh38, 1-based): chr19:4,117,482, C>T on the plus strand (G>A on the coding strand, the complement: MAP2K2 is on the minus strand). VCF-style: chr19-4117482-C-T. GRCh37 (hg19) VCF-style: chr19-4117480-C-T.
Other names: NM_030662.3(MAP2K2):c.240G>A.
Identifiers: ClinVar variation 378913 (VCV000378913.15), dbSNP rs543217722, ClinGen allele CA9091070.

ClinVar aggregate classification (germline): Likely benign. Review status: reviewed by expert panel (3 of 4 stars). 7 submissions from 7 submitters: Likely benign (1). 6 of the submissions do not count toward it. Last evaluated 2017-05-09.

Conditions:
Cardiovascular phenotype. Identifiers: MedGen CN230736.
RASopathy. Also called: rasopathies; Noonan spectrum disorder. Identifiers: Orphanet 536391, MedGen C5555857, MONDO:0021060.
MAP2K2-related disorder. Also called: MAP2K2-related condition.

Allele frequency attached by ClinVar (database versions not stated): TOPMed 0.00003; gnomAD 0.00004 and 0.00005; gnomAD exomes 0.00006 and 0.00014; ExAC 0.00008; 1000 Genomes Project 0.00040; 1000 Genomes Project 30x 0.00047.
gnomAD v4.1: 96 of 1,614,148 alleles (0.0059%); highest among the groups gnomAD compares: South Asian, 0.065%; no homozygotes.

Submissions (7):

ClinGen RASopathy Variant Curation Expert Panel
Classification: Likely benign for Noonan syndrome and Noonan-related syndrome. Last evaluated: 2017-05-09. Review status: reviewed by expert panel. Criteria: ClinGen RASopathy ACMG Specifications v1. Collection method: curation. Allele origin: germline. Inheritance: Autosomal dominant inheritance.
Comment: The filtering allele frequency of the c.240G>A (p.Ala80=) variant in the MAP2K2 gene is 0.0284% (9/16506) of South Asian chromosomes by the Exome Aggregation Consortium, which is a high enough frequency to be classified as likely benign based on thresholds defined by the ClinGen RASopathy Expert Panel (BS1; PMID:29493581)

Labcorp Genetics (formerly Invitae), Labcorp
Classification: Likely benign for RASopathy. Last evaluated: 2025-12-13. Review status: criteria provided, single submitter. Criteria: Invitae Variant Classification Sherloc (09022015). Collection method: clinical testing. Allele origin: germline. Not counted in ClinVar's aggregate classification.

Ambry Genetics
Classification: Likely benign for Cardiovascular phenotype. Last evaluated: 2020-12-11. Review status: criteria provided, single submitter. Criteria: Ambry Variant Classification Scheme 2023. Collection method: clinical testing. Allele origin: germline. Not counted in ClinVar's aggregate classification.

Blueprint Genetics
Classification: Likely benign. Last evaluated: 2019-12-18. Review status: criteria provided, single submitter. Criteria: ACMG Guidelines, 2015. Collection method: clinical testing. Allele origin: germline. Not counted in ClinVar's aggregate classification.

GeneDx
Classification: Likely benign. Last evaluated: 2017-09-11. Review status: criteria provided, single submitter. Criteria: GeneDx Variant Classification (06012015). Collection method: clinical testing. Allele origin: germline. Affected: yes. Not counted in ClinVar's aggregate classification.
Comment: This variant is considered likely benign or benign based on one or more of the following criteria: it is a conservative change, it occurs at a poorly conserved position in the protein, it is predicted to be benign by multiple in silico algorithms, and/or has population frequency not consistent with disease.

Women's Health and Genetics/Laboratory Corporation of America, LabCorp
Classification: Benign. Last evaluated: 2016-03-21. Review status: criteria provided, single submitter. Criteria: LabCorp Variant Classification Summary - May 2015. Collection method: clinical testing. Allele origin: germline. Not counted in ClinVar's aggregate classification.
Comment: Variant summary: The c.240G>A variant affects a non-conserved nucleotide, resulting in a synonymous change. Mutation taster predicts damaging outcome for this variant. 4/5 in silico programs via Alamut predict no significant change on RNA splicing sites. ESEfiner predicts changes of binding motifs for splicing enhancers. This variant is found in 10/120764 control chromosomes at a frequency of 0.0000828, predominalty observed in South Asian subpopulation in ExAC with MAF of 0.005453 (9/16506 chr), which significantly exceeds the maximal expected frequency of a pathogenic allele (0.0000025), suggesting this variant is benign. The variant of interest has not, to our knowledge, been reported in affected individuals via publications and/or reputable databases/clinical laboratories; nor evaluated for functional impact by in vivo/vitro studies. Taken together, this variant was classified as benign.

PreventionGenetics, part of Exact Sciences
Classification: Likely benign for MAP2K2-related condition. Last evaluated: 2019-09-26. Review status: no assertion criteria provided. Collection method: clinical testing. Allele origin: germline. Not counted in ClinVar's aggregate classification.
Comment: This variant is classified as likely benign based on ACMG/AMP sequence variant interpretation guidelines (Richards et al. 2015 PMID: 25741868, with internal and published modifications).